The following is an entry in ClinVar:

ClinVar aggregate classification (germline): Uncertain significance. Review status: criteria provided, multiple submitters, no conflicts (2 of 4 stars). 2 submissions from 2 submitters: Uncertain significance (2). Last evaluated 2025-01-17.

Allele frequency attached by ClinVar (database versions not stated): gnomAD exomes below 0.00001; gnomAD 0.00001.

Submissions (2):

GeneDx
Classification: Uncertain significance. Last evaluated: 2025-01-17. Review status: criteria provided, single submitter. Criteria: GeneDx Variant Classification Process June 2021. Collection method: clinical testing. Allele origin: germline. Affected: yes.
Comment: Not observed at significant frequency in large population cohorts (gnomAD); In silico analysis supports that this missense variant has a deleterious effect on protein structure/function; Has not been previously published as pathogenic or benign to our knowledge

Labcorp Genetics (formerly Invitae), Labcorp
Classification: Uncertain significance. Last evaluated: 2024-03-03. Review status: criteria provided, single submitter. Criteria: Invitae Variant Classification Sherloc (09022015). Collection method: clinical testing. Allele origin: germline.
Comment: This sequence change replaces proline, which is neutral and non-polar, with leucine, which is neutral and non-polar, at codon 42 of the HPS4 protein (p.Pro42Leu). This variant is not present in population databases (gnomAD no frequency). This variant has not been reported in the literature in individuals affected with HPS4-related conditions. An algorithm developed to predict the effect of missense changes on protein structure and function (PolyPhen-2) suggests that this variant is likely to be disruptive. In summary, the available evidence is currently insufficient to determine the role of this variant in disease. Therefore, it has been classified as a Variant of Uncertain Significance.

NM_022081.6(HPS4):c.125C>T (p.Pro42Leu)

Gene: HPS4 (HPS4 biogenesis of lysosomal organelles complex 3 subunit 2; minus strand). Cytogenetic location: 22q12.1.
Variant type: single nucleotide variant.
Coding change: c.125C>T on transcript NM_022081.6 (MANE Select); coding-DNA position 125, C replaced by T.
Protein change: p.Pro42Leu; replaces proline 42 with leucine.
Molecular consequence: missense variant. On other transcripts: non-coding transcript variant (8).
Genome position (GRCh38, 1-based): chr22:26,479,272, G>A on the plus strand (C>T on the coding strand, the complement: HPS4 is on the minus strand). VCF-style: chr22-26479272-G-A. GRCh37 (hg19) VCF-style: chr22-26875238-G-A.
Other names: c.125C>T, p.Pro42Leu (NM_001349896.1, NM_001349898.2, NM_001349899.2 and 7 more transcripts); c.110C>T, p.Pro37Leu (NM_152841.2); short protein forms P42L, P37L.
Identifiers: ClinVar variation 2708859 (VCV002708859.4), dbSNP rs2091003791, ClinGen allele CA411033016.